The following is an entry in ClinVar:

ClinVar aggregate classification (germline): Uncertain significance (0 of 4 stars; one submission).

Conditions:
SEMA3F-related disorder. Also called: SEMA3F-related condition.

Submission:

PreventionGenetics, part of Exact Sciences
Classification: Uncertain significance for SEMA3F-related condition. Last evaluated: 2024-07-08. Review status: no assertion criteria provided. Collection method: clinical testing. Allele origin: germline.
Comment: The SEMA3F c.1089-3C>T variant is predicted to interfere with splicing. This variant is predicted to weaken the canonical splice acceptor site based on available splicing prediction programs (Alamut Visual Plus v1.6.1). However, such computer prediction programs are imperfect. To our knowledge, this variant has not been reported in the literature. This variant is reported in 0.0040% of alleles in individuals of African descent in gnomAD. At this time, the clinical significance of this variant is uncertain due to the absence of conclusive functional and genetic evidence.

NM_004186.5(SEMA3F):c.1089-3C>T

Gene: SEMA3F (semaphorin 3F; plus strand). Cytogenetic location: 3p21.31.
Variant type: single nucleotide variant.
Coding change: c.1089-3C>T on transcript NM_004186.5 (MANE Select); 3 bases into the intron before coding-DNA position 1089, C replaced by T.
Molecular consequence: intron variant.
Genome position (GRCh38, 1-based): chr3:50,183,417, C>T. VCF-style: chr3-50183417-C-T. GRCh37 (hg19) VCF-style: chr3-50220850-C-T.
Other names: c.792-3C>T (NM_001318798.2); c.996-3C>T (NM_001318800.2).
Identifiers: ClinVar variation 3350421 (VCV003350421.1).